The following is an entry in ClinVar:

ClinVar aggregate classification (germline): Conflicting classifications of pathogenicity. Review status: criteria provided, conflicting classifications (1 of 4 stars). 3 submissions from 3 submitters: Uncertain significance (2); Benign (1). Last evaluated 2022-11-01.

Conditions:
Dilated cardiomyopathy 1AA (CMD1AA). Also called: Cardiomyopathy, dilated, 1AA, with or without LVNC; CARDIOMYOPATHY, DILATED, 1AA, WITH OR WITHOUT LEFT VENTRICULAR NONCOMPACTION; CARDIOMYOPATHY, FAMILIAL HYPERTROPHIC, 23, WITH OR WITHOUT LEFT VENTRICULAR NONCOMPACTION. Identifiers: Orphanet 154, MedGen C2677338, MONDO:0012808, OMIM 612158.
Myopathy, distal, 6, adult-onset, autosomal dominant. Identifiers: MedGen C5203349, MONDO:0032853, OMIM 618655.
Myopathy, congenital, with structured cores and z-line abnormalities. Also called: MULTIPLE STRUCTURED CORE DISEASE; CONGENITAL MYOPATHY 8. Identifiers: MedGen C5231445, MONDO:0032852, OMIM 618654.

Allele frequency attached by ClinVar (database versions not stated): TOPMed 0.00068; gnomAD 0.00115 and 0.00120.

Submissions (3):

CeGaT Center for Human Genetics Tuebingen
Classification: Benign. Last evaluated: 2022-11-01. Review status: criteria provided, single submitter. Criteria: CeGaT Center For Human Genetics Tuebingen Variant Classification Criteria Version 2. Collection method: clinical testing. Allele origin: germline. Affected: yes. Observed: 1 variant allele.
Comment: ACTN2: BS1, BS2

Fulgent Genetics
Classification: Uncertain significance for Dilated cardiomyopathy 1AA; Myopathy, congenital, with structured cores and z-line abnormalities; Myopathy, distal, 6, adult-onset, autosomal dominant. Last evaluated: 2021-09-14. Review status: criteria provided, single submitter. Criteria: ACMG Guidelines, 2015. Collection method: clinical testing. Allele origin: unknown.

Illumina Laboratory Services, Illumina
Classification: Uncertain significance for Dilated cardiomyopathy 1AA. Last evaluated: 2018-01-13. Review status: criteria provided, single submitter. Criteria: ICSL Variant Classification Criteria 13 December 2019. Collection method: clinical testing. Allele origin: germline.

NM_001103.4(ACTN2):c.*1969C>T

Gene: ACTN2 (actinin alpha 2; plus strand). Cytogenetic location: 1q43.
Variant type: single nucleotide variant.
Coding change: c.*1969C>T on transcript NM_001103.4 (MANE Select); 1969 bases downstream of the stop codon, C replaced by T.
Molecular consequence: 3 prime UTR variant.
Genome position (GRCh38, 1-based): chr1:236,764,588, C>T. VCF-style: chr1-236764588-C-T. GRCh37 (hg19) VCF-style: chr1-236927888-C-T.
Other names: c.*1969C>T (NM_001278343.2, NM_001278344.2).
Identifiers: ClinVar variation 876478 (VCV000876478.34), dbSNP rs753897286, ClinGen allele CA39749632.